The following is an entry in ClinVar:

NM_001375524.1(TRRAP):c.10512G>A (p.Thr3504=)

Gene: TRRAP (transformation/transcription domain associated protein; plus strand). Cytogenetic location: 7q22.1.
Variant type: single nucleotide variant.
Coding change: c.10512G>A on transcript NM_001375524.1 (MANE Select); coding-DNA position 10512, G replaced by A.
Protein change: p.Thr3504=; no amino-acid change (threonine 3504 retained).
Molecular consequence: synonymous variant.
Genome position (GRCh38, 1-based): chr7:99,004,392, G>A. VCF-style: chr7-99004392-G-A. GRCh37 (hg19) VCF-style: chr7-98602015-G-A.
Other names: c.10470G>A, p.Thr3490= (NM_001244580.2); c.10383G>A, p.Thr3461= (NM_003496.4).
Identifiers: ClinVar variation 2056069 (VCV002056069.28), dbSNP rs55828848, ClinGen allele CA4361920.

ClinVar aggregate classification (germline): Benign/Likely benign. Review status: criteria provided, multiple submitters, no conflicts (2 of 4 stars). 2 submissions from 2 submitters: Benign (1); Likely benign (1). Last evaluated 2025-12-08.

Allele frequency attached by ClinVar (database versions not stated): ExAC 0.00010; gnomAD 0.00010; TOPMed 0.00010; ESP Exome Variant Server 0.00015.
gnomAD v4.1: 103 of 1,614,058 alleles (0.0064%); highest among the groups gnomAD compares: East Asian, 0.078%; 1 homozygote.

Submissions (2):

Labcorp Genetics (formerly Invitae), Labcorp
Classification: Benign. Last evaluated: 2025-12-08. Review status: criteria provided, single submitter. Criteria: Invitae Variant Classification Sherloc (09022015). Collection method: clinical testing. Allele origin: germline.

CeGaT Center for Human Genetics Tuebingen
Classification: Likely benign. Last evaluated: 2022-11-01. Review status: criteria provided, single submitter. Criteria: CeGaT Center For Human Genetics Tuebingen Variant Classification Criteria Version 2. Collection method: clinical testing. Allele origin: germline. Affected: yes. Observed: 1 variant allele.
Comment: TRRAP: BP4, BP7